The following is an entry in ClinVar:

ClinVar aggregate classification (germline): Uncertain significance. Review status: criteria provided, multiple submitters, no conflicts (2 of 4 stars). 4 submissions from 4 submitters: Uncertain significance (4). Last evaluated 2025-11-05.

Conditions:
POLD1-related polyposis and colorectal cancer syndrome (CRCS10). Also called: Colorectal cancer 10; COLORECTAL CANCER, SUSCEPTIBILITY TO, ON CHROMOSOME 19q; Colorectal cancer, susceptibility to, 10. Identifiers: Orphanet 220460, MedGen C2675481, MONDO:0012953, OMIM 612591.
Hereditary cancer-predisposing syndrome. Also called: Neoplastic Syndromes, Hereditary; Hereditary neoplastic syndrome; Tumor predisposition; Hereditary Cancer Syndrome. Identifiers: Orphanet 140162, MedGen C0027672, MeSH D009386, MONDO:0015356.

gnomAD v4.1: 6 of 1,561,332 alleles (0.00038%); highest among the groups gnomAD compares: Non-Finnish European, 0.00026%; no homozygotes.

Submissions (4):

Labcorp Genetics (formerly Invitae), Labcorp
Classification: Uncertain significance for POLD1-related polyposis and colorectal cancer syndrome. Last evaluated: 2025-11-05. Review status: criteria provided, single submitter. Criteria: Invitae Variant Classification Sherloc (09022015). Collection method: clinical testing. Allele origin: germline.
Comment: This sequence change replaces aspartic acid, which is acidic and polar, with asparagine, which is neutral and polar, at codon 987 of the POLD1 protein (p.Asp987Asn). The frequency data for this variant in the population databases is considered unreliable, as metrics indicate poor data quality at this position in the gnomAD database. This variant has not been reported in the literature in individuals affected with POLD1-related conditions. ClinVar contains an entry for this variant (Variation ID: 469317). Invitae Evidence Modeling of protein sequence and biophysical properties (such as structural, functional, and spatial information, amino acid conservation, physicochemical variation, residue mobility, and thermodynamic stability) indicates that this missense variant is not expected to disrupt POLD1 protein function with a negative predictive value of 80%. In summary, the available evidence is currently insufficient to determine the role of this variant in disease. Therefore, it has been classified as a Variant of Uncertain Significance.

Ambry Genetics
Classification: Uncertain significance for Hereditary cancer-predisposing syndrome. Last evaluated: 2025-06-29. Review status: criteria provided, single submitter. Criteria: Ambry Variant Classification Scheme 2023. Collection method: clinical testing. Allele origin: germline.
Comment: The p.D987N variant (also known as c.2959G>A), located in coding exon 23 of the POLD1 gene, results from a G to A substitution at nucleotide position 2959. The aspartic acid at codon 987 is replaced by asparagine, an amino acid with highly similar properties. This amino acid position is conserved. In addition, this alteration is predicted to be tolerated by in silico analysis. Based on the available evidence, the clinical significance of this variant remains unclear.

Center for Genomic Medicine, Rigshospitalet, Copenhagen University Hospital
Classification: Uncertain significance. Last evaluated: 2025-03-04. Review status: criteria provided, single submitter. Criteria: ACMG Guidelines, 2015. Collection method: clinical testing. Allele origin: germline.

GeneDx
Classification: Uncertain significance. Last evaluated: 2021-04-09. Review status: criteria provided, single submitter. Criteria: GeneDx Variant Classification Process June 2021. Collection method: clinical testing. Allele origin: germline. Affected: yes.
Comment: Not observed at a significant frequency in large population cohorts (Lek 2016); In silico analysis supports that this missense variant has a deleterious effect on protein structure/function; Has not been previously published as pathogenic or benign to our knowledge; This variant is associated with the following publications: (PMID: 29056344)

NM_002691.4(POLD1):c.2959G>A (p.Asp987Asn)

Gene: POLD1 (DNA polymerase delta 1, catalytic subunit; plus strand). Cytogenetic location: 19q13.33.
Variant type: single nucleotide variant.
Coding change: c.2959G>A on transcript NM_002691.4 (MANE Select); coding-DNA position 2959, G replaced by A.
Protein change: p.Asp987Asn; replaces aspartic acid 987 with asparagine.
Molecular consequence: missense variant. On other transcripts: non-coding transcript variant (1).
Genome position (GRCh38, 1-based): chr19:50,416,615, G>A. VCF-style: chr19-50416615-G-A. GRCh37 (hg19) VCF-style: chr19-50919872-G-A.
Other names: c.2959G>A, p.Asp987Asn (NM_001256849.1); c.3037G>A, p.Asp1013Asn (NM_001308632.1); c.2959G>A (NM_002691.2); short protein forms D1013N, D987N.
Identifiers: ClinVar variation 469317 (VCV000469317.12), dbSNP rs985679759, ClinGen allele CA406986780.